The following is an entry in ClinVar:

ClinVar aggregate classification (germline): Likely benign. Review status: criteria provided, multiple submitters, no conflicts (2 of 4 stars). 2 submissions from 2 submitters: Likely benign (2). Last evaluated 2024-03-07.

Allele frequency attached by ClinVar (database versions not stated): gnomAD 0.00001; gnomAD exomes 0.00001; TOPMed 0.00002.
gnomAD v4.1: 15 of 1,614,242 alleles (0.00093%); highest among the groups gnomAD compares: Middle Eastern, 0.066%; no homozygotes.

Submissions (2):

Labcorp Genetics (formerly Invitae), Labcorp
Classification: Likely benign. Last evaluated: 2024-03-07. Review status: criteria provided, single submitter. Criteria: Invitae Variant Classification Sherloc (09022015). Collection method: clinical testing. Allele origin: germline.

CeGaT Center for Human Genetics Tuebingen
Classification: Likely benign. Last evaluated: 2022-05-01. Review status: criteria provided, single submitter. Criteria: CeGaT Center For Human Genetics Tuebingen Variant Classification Criteria Version 2. Collection method: clinical testing. Allele origin: germline. Affected: yes. Observed: 2 variant alleles.
Comment: CDK5RAP2: BP4, BP7

NM_018249.6(CDK5RAP2):c.2535A>G (p.Pro845=)

Gene: CDK5RAP2 (CDK5 regulatory subunit associated protein 2; minus strand). Cytogenetic location: 9q33.2.
Variant type: single nucleotide variant.
Coding change: c.2535A>G on transcript NM_018249.6 (MANE Select); coding-DNA position 2535, A replaced by G.
Protein change: p.Pro845=; no amino-acid change (proline 845 retained).
Molecular consequence: synonymous variant. On other transcripts: non-coding transcript variant (5), intron variant (1).
Genome position (GRCh38, 1-based): chr9:120,453,714, T>C on the plus strand (A>G on the coding strand, the complement: CDK5RAP2 is on the minus strand). VCF-style: chr9-120453714-T-C. GRCh37 (hg19) VCF-style: chr9-123215992-T-C.
Other names: c.2535A>G, p.Pro845= (NM_001011649.3); c.2436A>G, p.Pro812= (NM_001410992.1); c.2439A>G, p.Pro813= (NM_001410993.1); c.2532A>G, p.Pro844= (NM_001410994.1); c.2104-5588A>G (NM_001272039.2).
Identifiers: ClinVar variation 2659467 (VCV002659467.26), dbSNP rs928134158, ClinGen allele CA199275278.